The following is an entry in ClinVar:

NM_178822.5(IGSF10):c.5996dup (p.Ser2000fs)

Gene: IGSF10 (immunoglobulin superfamily member 10; minus strand). Cytogenetic location: 3q25.1.
Variant type: Duplication.
Coding change: c.5996dup on transcript NM_178822.5 (MANE Select); coding-DNA position 5996, one base duplicated (G; older notation c.5996dupG).
Protein change: p.Ser2000fs; shifts the reading frame from serine 2000.
Molecular consequence: frameshift variant. On other transcripts: 5 prime UTR variant (2).
Genome position (GRCh38, 1-based): chr3:151,438,565, C duplicated on the plus strand (G on the coding strand, the reverse complement: IGSF10 is on the minus strand); the first of 2 consecutive C bases (chr3:151,438,565-151,438,566); duplicating either gives the same sequence. VCF-style (leftmost placement, unchanged base first): chr3-151438564-T-TC. GRCh37 (hg19) VCF-style: chr3-151156352-T-TC.
Other names: c.-68dup (NM_001178145.3, NM_001178146.3); c.5996dup, p.Ser2000fs (NM_001385060.1, NM_001385061.1, NM_001385062.1 and 1 more transcripts); c.5996dupG (NM_178822.4); short protein forms S2000fs.
Identifiers: ClinVar variation 2917716 (VCV002917716.4), dbSNP rs770294032, ClinGen allele CA2669605.

ClinVar aggregate classification (germline): Likely benign. Review status: criteria provided, multiple submitters, no conflicts (2 of 4 stars). 2 submissions from 2 submitters: Likely benign (2). Last evaluated 2025-08-22.

Conditions:
IGSF10-related disorder. Also called: IGSF10-related condition.

Submissions (2):

Labcorp Genetics (formerly Invitae), Labcorp
Classification: Likely benign. Last evaluated: 2025-08-22. Review status: criteria provided, single submitter. Criteria: Invitae Variant Classification Sherloc (09022015). Collection method: clinical testing. Allele origin: germline.

PreventionGenetics, part of Exact Sciences
Classification: Likely benign for IGSF10-related condition. Last evaluated: 2025-03-20. Review status: criteria provided, single submitter. Criteria: ACMG Guidelines, 2015. Collection method: clinical testing. Allele origin: germline.
Comment: This variant is classified as likely benign based on ACMG/AMP sequence variant interpretation guidelines (Richards et al. 2015 PMID: 25741868, with internal and published modifications).